The following is an entry in ClinVar:

ClinVar aggregate classification (germline): Pathogenic (1 of 4 stars; one submission).

Conditions:
Aortic aneurysm, familial thoracic 7 (AAT7). Also called: AORTIC DISSECTION, FAMILIAL, WITH OR WITHOUT AORTIC ANEURYSM. Identifiers: MedGen C3151077, MONDO:0013418, OMIM 613780.

Submission:

Labcorp Genetics (formerly Invitae), Labcorp
Classification: Pathogenic for Aortic aneurysm, familial thoracic 7. Last evaluated: 2021-08-06. Review status: criteria provided, single submitter. Criteria: Invitae Variant Classification Sherloc (09022015). Collection method: clinical testing. Allele origin: germline.
Comment: This variant is not present in population databases (ExAC no frequency). This variant has not been reported in the literature in individuals affected with MYLK-related conditions. For these reasons, this variant has been classified as Pathogenic. This sequence change creates a premature translational stop signal (p.Ala1251Argfs*79) in the MYLK gene. This variant occurs within the aortic-specific isoform of MYLK. Loss-of-function variants in the aortic-specific isoform of MYLK are known to be pathogenic for thoracic aortic dissections (PMID: 21055718).

Literature cited by the submitters: PubMed 21055718.

NM_053025.4(MYLK):c.3751_3752del (p.Ala1251fs)

Gene: MYLK (myosin light chain kinase; minus strand). Cytogenetic location: 3q21.1.
Variant type: Microsatellite.
Coding change: c.3751_3752del on transcript NM_053025.4 (MANE Select); coding-DNA positions 3751 to 3752, 2 bases deleted (GC; older notation c.3751_3752delGC).
Protein change: p.Ala1251fs; shifts the reading frame from alanine 1251.
Molecular consequence: frameshift variant.
Genome position (GRCh38, 1-based): chr3:123,666,298-123,666,299, GC deleted on the plus strand (GC on the coding strand, the reverse complement: MYLK is on the minus strand); deleting any 2 consecutive bases within chr3:123,666,298-123,666,302 gives the same sequence; the c. name uses the placement nearest the transcript's 3' end. VCF-style (leftmost placement, unchanged base first): chr3-123666297-TGC-T. GRCh37 (hg19) VCF-style: chr3-123385144-TGC-T.
Other names: c.3223_3224del, p.Ala1075fs (NM_001321309.2); c.3544_3545del, p.Ala1182fs (NM_053026.4, NM_053028.4); c.3751_3752del, p.Ala1251fs (NM_053027.4); short protein forms A1075fs, A1182fs, A1251fs.
Identifiers: ClinVar variation 1415008 (VCV001415008.6), dbSNP rs2108340106, ClinGen allele CA2580616522.
Genomic context (GRCh38, chr3:123,666,297, plus strand): 5'-CCAGGTACAGGTGATGGGCTGAGTGCCTGTCACTTTGCCAAACAGCTCCACTGACTCTCC[TGC>T]GCGTACCTTCTGGTCCTCAGGGAACTGGATGATCTGAGGGGGCATTGCTGAGGGAGGACA-3'